The following is an entry in ClinVar:

ClinVar aggregate classification (germline): Uncertain significance. Review status: criteria provided, multiple submitters, no conflicts (2 of 4 stars). 2 submissions from 2 submitters: Uncertain significance (2). Last evaluated 2024-11-05.

Conditions:
Ataxia-telangiectasia-like disorder (ATLD). Identifiers: MedGen C1858391, MONDO:0011457.
Hereditary cancer-predisposing syndrome. Also called: Hereditary neoplastic syndrome; Tumor predisposition; Hereditary Cancer Syndrome; Neoplastic Syndromes, Hereditary. Identifiers: Orphanet 140162, MedGen C0027672, MeSH D009386, MONDO:0015356.

Submissions (2):

Labcorp Genetics (formerly Invitae), Labcorp
Classification: Uncertain significance for Ataxia-telangiectasia-like disorder. Last evaluated: 2024-11-05. Review status: criteria provided, single submitter. Criteria: Invitae Variant Classification Sherloc (09022015). Collection method: clinical testing. Allele origin: germline.
Comment: This sequence change replaces glycine, which is neutral and non-polar, with arginine, which is basic and polar, at codon 581 of the MRE11 protein (p.Gly581Arg). This variant is not present in population databases (gnomAD no frequency). This variant has not been reported in the literature in individuals affected with MRE11-related conditions. ClinVar contains an entry for this variant (Variation ID: 219449). An algorithm developed to predict the effect of missense changes on protein structure and function (PolyPhen-2) suggests that this variant is likely to be disruptive. In summary, the available evidence is currently insufficient to determine the role of this variant in disease. Therefore, it has been classified as a Variant of Uncertain Significance.

Ambry Genetics
Classification: Uncertain significance for Hereditary cancer-predisposing syndrome. Last evaluated: 2021-12-02. Review status: criteria provided, single submitter. Criteria: Ambry Variant Classification Scheme 2023. Collection method: clinical testing. Allele origin: germline.
Comment: The p.G581R variant (also known as c.1741G>A), located in coding exon 14 of the MRE11A gene, results from a G to A substitution at nucleotide position 1741. The glycine at codon 581 is replaced by arginine, an amino acid with dissimilar properties. This amino acid position is conserved. In addition, the in silico prediction for this alteration is inconclusive. Since supporting evidence is limited at this time, the clinical significance of this alteration remains unclear.

NM_005591.4(MRE11):c.1741G>A (p.Gly581Arg)

Gene: MRE11 (MRE11 double strand break repair nuclease; minus strand). Cytogenetic location: 11q21.
Variant type: single nucleotide variant.
Coding change: c.1741G>A on transcript NM_005591.4 (MANE Select); coding-DNA position 1741, G replaced by A.
Protein change: p.Gly581Arg; replaces glycine 581 with arginine.
Molecular consequence: missense variant.
Genome position (GRCh38, 1-based): chr11:94,447,261, C>T on the plus strand (G>A on the coding strand, the complement: MRE11 is on the minus strand). VCF-style: chr11-94447261-C-T. GRCh37 (hg19) VCF-style: chr11-94180427-C-T.
Other names: c.1741G>A, p.Gly581Arg (NM_001330347.2, NM_005590.4); short protein forms G581R.
Identifiers: ClinVar variation 219449 (VCV000219449.12), dbSNP rs864622095, ClinGen allele CA350277.
Genomic context (GRCh38, chr11:94,447,261, plus strand): 5'-ACTGAACTCAGTGCTCACCTCTTCCTCTTTGAGACCCTCCTCTCGATGCTGAATTCTGCC[C>T]TCTTCCACCTCTTCGACCTCTTCCTCGGCCTCTTCCTTTGTTGGTTGCTGCTGAGATGCT-3'
Protein context (NP_005582.1, residues 571-591): GRGRGRRGGR[Gly581Arg]QNSASRGGSQ